The following is an entry in ClinVar:

NM_004655.4(AXIN2):c.1216G>A (p.Gly406Ser)

Gene: AXIN2 (axin 2; minus strand). Cytogenetic location: 17q24.1.
Variant type: single nucleotide variant.
Coding change: c.1216G>A on transcript NM_004655.4 (MANE Select); coding-DNA position 1216, G replaced by A.
Protein change: p.Gly406Ser; replaces glycine 406 with serine.
Molecular consequence: missense variant.
Genome position (GRCh38, 1-based): chr17:65,537,820, C>T on the plus strand (G>A on the coding strand, the complement: AXIN2 is on the minus strand). VCF-style: chr17-65537820-C-T. GRCh37 (hg19) VCF-style: chr17-63533938-C-T.
Other names: c.1216G>A, p.Gly406Ser (NM_001363813.1); short protein forms G406S.
Identifiers: ClinVar variation 1751779 (VCV001751779.6), dbSNP rs2509418496, ClinGen allele CA400677945.

ClinVar aggregate classification (germline): Conflicting classifications of pathogenicity. Review status: criteria provided, conflicting classifications (1 of 4 stars). 2 submissions from 2 submitters: Uncertain significance (1); Likely benign (1). Last evaluated 2026-02-03.

Conditions:
Hereditary cancer-predisposing syndrome. Also called: Hereditary Cancer Syndrome; Hereditary neoplastic syndrome; Neoplastic Syndromes, Hereditary; Tumor predisposition. Identifiers: Orphanet 140162, MedGen C0027672, MeSH D009386, MONDO:0015356.
Oligodontia-cancer predisposition syndrome. Also called: TOOTH AGENESIS-COLORECTAL CANCER SYNDROME. Identifiers: Orphanet 300576, MedGen C1837750, MONDO:0012075, OMIM 608615. Disease mechanism: loss of function.

gnomAD v4.1: 4 of 1,566,636 alleles (0.00026%); highest among the groups gnomAD compares: Non-Finnish European, 0.00035%; no homozygotes.

Submissions (2):

Labcorp Genetics (formerly Invitae), Labcorp
Classification: Uncertain significance for Oligodontia-cancer predisposition syndrome. Last evaluated: 2026-02-03. Review status: criteria provided, single submitter. Criteria: Invitae Variant Classification Sherloc (09022015). Collection method: clinical testing. Allele origin: germline.
Comment: This sequence change replaces glycine, which is neutral and non-polar, with serine, which is neutral and polar, at codon 406 of the AXIN2 protein (p.Gly406Ser). This variant is not present in population databases (gnomAD no frequency). This variant has not been reported in the literature in individuals affected with AXIN2-related conditions. ClinVar contains an entry for this variant (Variation ID: 1751779). An algorithm developed to predict the effect of missense changes on protein structure and function (PolyPhen-2) suggests that this variant is likely to be tolerated. In summary, the available evidence is currently insufficient to determine the role of this variant in disease. Therefore, it has been classified as a Variant of Uncertain Significance.

Ambry Genetics
Classification: Likely benign for Hereditary cancer-predisposing syndrome. Last evaluated: 2024-12-03. Review status: criteria provided, single submitter. Criteria: Ambry Variant Classification Scheme 2023. Collection method: clinical testing. Allele origin: germline.